The following is an entry in ClinVar:

NM_016222.4(DDX41):c.1615del (p.Ala539fs)

Gene: DDX41 (DEAD-box helicase 41; minus strand). Cytogenetic location: 5q35.3.
Variant type: Deletion.
Coding change: c.1615del on transcript NM_016222.4 (MANE Select); coding-DNA position 1615, one base deleted (G; older notation c.1615delG).
Protein change: p.Ala539fs; shifts the reading frame from alanine 539.
Molecular consequence: frameshift variant.
Genome position (GRCh38, 1-based): chr5:177,512,328, C deleted on the plus strand (G on the coding strand, the reverse complement: DDX41 is on the minus strand). VCF-style (leftmost placement, unchanged base first): chr5-177512327-GC-G. GRCh37 (hg19) VCF-style: chr5-176939328-GC-G.
Other names: c.1237del, p.Ala413fs (NM_001321732.2, NM_001321830.2); short protein forms A539fs, A413fs.
Identifiers: ClinVar variation 5035135 (VCV005035135.1).
Genomic context (GRCh38, chr5:177,512,327, plus strand): 5'-GGCCACAGGCAGGGGACCCAGGGAACAGCTAAGGTGGCGCTGGTAACAGACTCACCACAC[GC>G]TTTGTTGATGAAGGTAGTGGCGATGCCTGTGTTTCCCGAGCGCCCGGTGCGGCCAATCCG-3'

ClinVar aggregate classification (germline): Pathogenic (1 of 4 stars; one submission).

Conditions:
Inborn genetic diseases. Identifiers: MedGen C0950123, MeSH D030342.

Submission:

Ambry Genetics
Classification: Pathogenic for Inborn genetic diseases. Last evaluated: 2026-06-25. Review status: criteria provided, single submitter. Criteria: Ambry Variant Classification Scheme 2023. Collection method: clinical testing. Allele origin: germline.
Comment: The c.1615delG pathogenic mutation, located in coding exon 15 of the DDX41 gene, results from a deletion of one nucleotide at nucleotide position 1615, causing a translational frameshift with a predicted alternate stop codon (p.A539Rfs*7). This variant is considered to be rare based on population cohorts in the Genome Aggregation Database (gnomAD). This alteration is expected to result in loss of function by premature protein truncation or nonsense-mediated mRNA decay. As such, this alteration is interpreted as a disease-causing mutation.